The following is an entry in ClinVar:

ClinVar aggregate classification (germline): Likely benign (1 of 4 stars; one submission).

Submission:

CeGaT Center for Human Genetics Tuebingen
Classification: Likely benign. Last evaluated: 2026-02-01. Review status: criteria provided, single submitter. Criteria: CeGaT Center For Human Genetics Tuebingen Variant Classification Criteria Version 2. Collection method: clinical testing. Allele origin: germline. Affected: yes. Observed: 1 variant allele.
Comment: SPR: PM2:Supporting, BP4, BP7

NM_003124.5(SPR):c.597T>G (p.Gly199=)

Gene: SPR (sepiapterin reductase; plus strand). Cytogenetic location: 2p13.2.
Variant type: single nucleotide variant.
Coding change: c.597T>G on transcript NM_003124.5 (MANE Select); coding-DNA position 597, T replaced by G.
Protein change: p.Gly199=; no amino-acid change (glycine 199 retained).
Molecular consequence: synonymous variant.
Genome position (GRCh38, 1-based): chr2:72,891,348, T>G. VCF-style: chr2-72891348-T-G. GRCh37 (hg19) VCF-style: chr2-73118477-T-G.
Identifiers: ClinVar variation 4823459 (VCV004823459.4).